The following is an entry in ClinVar:

ClinVar aggregate classification (germline): Uncertain significance (1 of 4 stars; one submission).

Allele frequency attached by ClinVar (database versions not stated): gnomAD exomes below 0.00001.
gnomAD v4.1: 1 of 1,614,198 alleles (0.000062%); highest among the groups gnomAD compares: Admixed American, 0.0017%; no homozygotes.

Submission:

Ambry Genetics
Classification: Uncertain significance. Last evaluated: 2022-04-01. Review status: criteria provided, single submitter. Criteria: Ambry Variant Classification Scheme 2023. Collection method: clinical testing. Allele origin: germline.
Comment: The p.N1098Y variant (also known as c.3292A>T), located in coding exon 4 of the ALPK2 gene, results from an A to T substitution at nucleotide position 3292. The asparagine at codon 1098 is replaced by tyrosine, an amino acid with dissimilar properties. This amino acid position is conserved. In addition, this alteration is predicted to be tolerated by in silico analysis. Since supporting evidence is limited at this time, the clinical significance of this alteration remains unclear.

NM_052947.4(ALPK2):c.3292A>T (p.Asn1098Tyr)

Gene: ALPK2 (alpha kinase 2; minus strand). Cytogenetic location: 18q21.31.
Variant type: single nucleotide variant.
Coding change: c.3292A>T on transcript NM_052947.4 (MANE Select); coding-DNA position 3292, A replaced by T.
Protein change: p.Asn1098Tyr; replaces asparagine 1098 with tyrosine.
Molecular consequence: missense variant.
Genome position (GRCh38, 1-based): chr18:58,536,895, T>A on the plus strand (A>T on the coding strand, the complement: ALPK2 is on the minus strand). VCF-style: chr18-58536895-T-A. GRCh37 (hg19) VCF-style: chr18-56204127-T-A.
Other names: short protein forms N1098Y.
Identifiers: ClinVar variation 1729858 (VCV001729858.2), dbSNP rs1462677375, ClinGen allele CA402568696.
Genomic context (GRCh38, chr18:58,536,895, plus strand): 5'-CTGCTCTGTCCACAGTCTGGCTCTTATCTCCAGACAGGTTATCAACCTGAAGAGGGGAAT[T>A]ACTGCAGAAACCCTCTCCCTCTGGGAGCTGCAGGACATGGTGTGGGACTCCTGGCACACT-3'
Protein context (NP_443179.3, residues 1088-1108): QLPEGEGFCS[Asn1098Tyr]SPLQVDNLSG